The following is an entry in ClinVar:

NC_000014.8:g.(?_77984371)_(77984520_?)del

Gene: SPTLC2 (serine palmitoyltransferase long chain base subunit 2; minus strand). Cytogenetic location: 14q24.3.
Variant type: Deletion.
Identifiers: ClinVar variation 1024596 (VCV001024596.8).

ClinVar aggregate classification (germline): Uncertain significance (1 of 4 stars; one submission).

Conditions:
Neuropathy, hereditary sensory and autonomic, type 1C. Also called: HSAN IC; HSN IC. Identifiers: Orphanet 36386, MedGen C3150896, MONDO:0013337, OMIM 613640.

Submission:

Labcorp Genetics (formerly Invitae), Labcorp
Classification: Uncertain significance for Neuropathy, hereditary sensory and autonomic, type 1C. Last evaluated: 2022-04-06. Review status: criteria provided, single submitter. Criteria: Invitae Variant Classification Sherloc (09022015). Collection method: clinical testing. Allele origin: germline.
Comment: This variant is a gross deletion of the genomic region encompassing exon(s) 11 of the SPTLC2 gene. This deletion is out-of-frame, and is expected to create a premature translational stop signal and result in an absent or disrupted protein product. However, the current clinical and genetic evidence is not sufficient to establish whether loss-of-function variants in SPTLC2 cause disease. In summary, the available evidence is currently insufficient to determine the role of this variant in disease. Therefore, it has been classified as a Variant of Uncertain Significance. A similar copy number variant has been observed in at least one individual who was not affected with SPTLC2-related conditions (Invitae). This variant has not been reported in the literature in individuals affected with SPTLC2-related conditions.